The following is an entry in ClinVar:

ClinVar aggregate classification (germline): Benign. Review status: criteria provided, multiple submitters, no conflicts (2 of 4 stars). 3 submissions from 3 submitters: Benign (2). 1 of the submissions does not count toward it. Last evaluated 2018-08-14.

Conditions:
MUC16-related disorder. Also called: MUC16-related condition.

Allele frequency attached by ClinVar (database versions not stated): gnomAD 0.02192 and 0.02346; 1000 Genomes Project 0.02276; 1000 Genomes Project 30x 0.02467; ESP Exome Variant Server 0.02278; TOPMed 0.02491; ExAC 0.00695.

Submissions (3):

Labcorp Genetics (formerly Invitae), Labcorp
Classification: Benign. Last evaluated: 2018-08-14. Review status: criteria provided, single submitter. Criteria: Invitae Variant Classification Sherloc (09022015). Collection method: clinical testing. Allele origin: germline.

Breakthrough Genomics
Classification: Benign. Review status: criteria provided, single submitter. Criteria: ACMG Guidelines, 2015. Collection method: not provided. Allele origin: germline. Inheritance: Unknown mechanism. Affected: yes.

PreventionGenetics, part of Exact Sciences
Classification: Benign for MUC16-related condition. Last evaluated: 2019-10-01. Review status: no assertion criteria provided. Collection method: clinical testing. Allele origin: germline. Not counted in ClinVar's aggregate classification.
Comment: This variant is classified as benign based on ACMG/AMP sequence variant interpretation guidelines (Richards et al. 2015 PMID: 25741868, with internal and published modifications).

NM_001401501.2(MUC16):c.9549A>T (p.Thr3183=)

Gene: MUC16 (mucin 16, cell surface associated; minus strand). Cytogenetic location: 19p13.2.
Variant type: single nucleotide variant.
Coding change: c.9549A>T on transcript NM_001401501.2 (MANE Select); coding-DNA position 9549, A replaced by T.
Protein change: p.Thr3183=; no amino-acid change (threonine 3183 retained).
Molecular consequence: synonymous variant.
Genome position (GRCh38, 1-based): chr19:8,971,710, T>A on the plus strand (A>T on the coding strand, the complement: MUC16 is on the minus strand). VCF-style: chr19-8971710-T-A. GRCh37 (hg19) VCF-style: chr19-9082386-T-A.
Other names: c.9975A>T, p.Thr3325= (NM_001414686.1); c.9429A>T, p.Thr3143= (NM_001414687.1, NM_024690.2).
Identifiers: ClinVar variation 781403 (VCV000781403.6), dbSNP rs28457686, ClinGen allele CA9171734.